The following is an entry in ClinVar:

ClinVar aggregate classification (germline): Likely benign. Review status: criteria provided, multiple submitters, no conflicts (2 of 4 stars). 6 submissions from 5 submitters: Likely benign (5). 1 of the submissions does not count toward it. Last evaluated 2025-07-31.

Conditions:
Retinitis pigmentosa 39 (RP39). Identifiers: Orphanet 791, MedGen C3151138, MONDO:0013436, OMIM 613809.
Usher syndrome type 2A. Also called: RETINAL DISEASE IN USHER SYNDROME TYPE IIA, MODIFIER OF; USHER SYNDROME, TYPE IIA. Identifiers: Orphanet 231178, Orphanet 886, MedGen C1848634, MONDO:0010169, OMIM 276901.

Allele frequency attached by ClinVar (database versions not stated): ExAC 0.00007; gnomAD exomes 0.00009; 1000 Genomes Project 30x 0.00016; 1000 Genomes Project 0.00020; gnomAD 0.00021; TOPMed 0.00028; ESP Exome Variant Server 0.00046.
gnomAD v4.1: 93 of 1,613,054 alleles (0.0058%); highest among the groups gnomAD compares: African/African-American, 0.11%; no homozygotes.

Submissions (6):

Labcorp Genetics (formerly Invitae), Labcorp
Classification: Likely benign. Last evaluated: 2025-07-31. Review status: criteria provided, single submitter. Criteria: Invitae Variant Classification Sherloc (09022015). Collection method: clinical testing. Allele origin: germline.

Blueprint Genetics
Classification: Likely benign. Last evaluated: 2023-05-24. Review status: criteria provided, single submitter. Criteria: ACMG Guidelines, 2015. Collection method: clinical testing. Allele origin: germline.

Genome-Nilou Lab
Classification: Likely benign for Retinitis pigmentosa 39. Last evaluated: 2023-04-11. Review status: criteria provided, single submitter. Criteria: ACMG Guidelines, 2015. Collection method: clinical testing. Allele origin: germline. Affected: no.

Genome-Nilou Lab
Classification: Likely benign for Usher syndrome type 2A. Last evaluated: 2023-04-11. Review status: criteria provided, single submitter. Criteria: ACMG Guidelines, 2015. Collection method: clinical testing. Allele origin: germline. Affected: no.

Laboratory for Molecular Medicine, Mass General Brigham Personalized Medicine
Classification: Likely benign. Last evaluated: 2016-02-04. Review status: criteria provided, single submitter. Criteria: LMM Criteria. Collection method: clinical testing. Allele origin: germline. Observed: 1 variant allele.
Comment: c.1550+10T>C in Intron 08 of USH2A: This variant is not expected to have clinica l significance because it is not located within the conserved splice consensus s equence. This variant has been identified in 9/10380 of African chromosomes by the Exome Aggregation Consortium (ExAC; dbSNP rs 200728788

Counsyl
Classification: Likely benign for Usher syndrome type 2A; Retinitis pigmentosa 39. Last evaluated: 2017-01-17. Review status: no assertion criteria provided. Collection method: clinical testing. Allele origin: unknown. Not counted in ClinVar's aggregate classification.

NM_206933.4(USH2A):c.1550+10T>C

Gene: USH2A (usherin; minus strand). Cytogenetic location: 1q41.
Variant type: single nucleotide variant.
Coding change: c.1550+10T>C on transcript NM_206933.4 (MANE Select); 10 bases into the intron after coding-DNA position 1550, T replaced by C.
Molecular consequence: intron variant.
Genome position (GRCh38, 1-based): chr1:216,323,464, A>G on the plus strand (T>C on the coding strand, the complement: USH2A is on the minus strand). VCF-style: chr1-216323464-A-G. GRCh37 (hg19) VCF-style: chr1-216496806-A-G.
Other names: c.1550+10T>C (NM_007123.6).
Identifiers: ClinVar variation 228207 (VCV000228207.16), dbSNP rs200728788, ClinGen allele CA1396490.
Genomic context (GRCh38, chr1:216,323,464, plus strand): 5'-ACATCTTAATGTGCTGTTAAGACAGTAAGTATGACAAAAACCTTGTTGAAAACAAAATTC[A>G]TAATAATACCTCCCACTAATGGTGATTTCGTCCACTGCATAATATCTGTGTCTGAGGTTA-3'